The following is an entry in ClinVar:

NM_007227.3(GPR45):c.143_144dup (p.Phe49fs)

Gene: GPR45 (G protein-coupled receptor 45; plus strand). Cytogenetic location: 2q12.1.
Variant type: Duplication.
Coding change: c.143_144dup on transcript NM_007227.3 (MANE Select); coding-DNA positions 143 to 144, 2 bases duplicated (GG; older notation c.143_144dupGG).
Protein change: p.Phe49fs; shifts the reading frame from phenylalanine 49.
Molecular consequence: frameshift variant.
Genome position (GRCh38, 1-based): chr2:105,242,001-105,242,002, GG duplicated; duplicating any 2 consecutive bases within chr2:105,241,999-105,242,002 gives the same sequence; the c. name uses the placement nearest the transcript's 3' end. VCF-style (leftmost placement, unchanged base first): chr2-105241998-T-TGG. GRCh37 (hg19) VCF-style: chr2-105858455-T-TGG.
Other names: short protein forms F49fs.
Identifiers: ClinVar variation 4780462 (VCV004780462.1).

ClinVar aggregate classification (germline): Uncertain significance (1 of 4 stars; one submission).

Submission:

Labcorp Genetics (formerly Invitae), Labcorp
Classification: Uncertain significance. Last evaluated: 2026-01-04. Review status: criteria provided, single submitter. Criteria: Invitae Variant Classification Sherloc (09022015). Collection method: clinical testing. Allele origin: germline.
Comment: This sequence change creates a premature translational stop signal (p.Phe49Glyfs*96) in the GPR45 gene. While this is not anticipated to result in nonsense mediated decay, it is expected to disrupt the last 324 amino acid(s) of the GPR45 protein. This variant is present in population databases (no rsID available, gnomAD 0.007%). This variant has not been reported in the literature in individuals affected with GPR45-related conditions. Experimental studies and prediction algorithms are not available or were not evaluated, and the functional significance of this variant is currently unknown. In summary, the available evidence is currently insufficient to determine the role of this variant in disease. Therefore, it has been classified as a Variant of Uncertain Significance.